The following is an entry in ClinVar:

NC_000007.14:g.(?_117602793)_(117611818_?)del

Gene: CFTR (CF transmembrane conductance regulator; plus strand). Cytogenetic location: 7q31.2.
Variant type: Deletion.
Identifiers: ClinVar variation 832980 (VCV000832980.1).

ClinVar aggregate classification (germline): Pathogenic (1 of 4 stars; one submission).

Conditions:
Cystic fibrosis (CF). Also called: MUCOVISCIDOSIS. Identifiers: Orphanet 586, MedGen C0010674, MONDO:0009061, OMIM 219700. Disease mechanism: loss of function.

Submission:

Labcorp Genetics (formerly Invitae), Labcorp
Classification: Pathogenic for Cystic fibrosis. Last evaluated: 2019-12-29. Review status: criteria provided, single submitter. Criteria: Invitae Variant Classification Sherloc (09022015). Collection method: clinical testing. Allele origin: germline.
Comment: This variant is an out-of-frame deletion of the genomic region encompassing exons 16-20 of the CFTR gene. This is expected to create a premature translational stop signal and result in an absent or disrupted protein product. Loss-of-function variants in CFTR are known to be pathogenic (PMID: 1695717, 7691345, 9725922). For these reasons, this variant has been classified as Pathogenic.